The following is an entry in ClinVar:

ClinVar aggregate classification (germline): Pathogenic (1 of 4 stars; one submission).

Submission:

Athena Diagnostics
Classification: Pathogenic. Last evaluated: 2025-10-01. Review status: criteria provided, single submitter. Criteria: Athena Diagnostics Criteria. Collection method: clinical testing. Allele origin: unknown.
Comment: This variant is expected to result in the loss of a functional protein. Similar deletions of DMD exon 45 have not been reported in large, multi-ethnic general populations (Genome Aggregation Database (gnomAD), Cambridge, MA (URL)). Similar deletions of DMD exon 45 have been reported primarily in patients with Duchenne muscular dystrophy (DMD), and also in a few individuals with Becker muscular dystrophy (BMD; PMID: 19937601, 24871807).

Literature cited by the submitters: PubMed 19040728; PubMed 12111668; PubMed 19937601; PubMed 17253928; PubMed 9800909; PubMed 15655674; PubMed 26081009; PubMed 25244321; PubMed 24871807; PubMed 18683213; PubMed 11257468; PubMed 32169422; PubMed 31081998; PubMed 28610567; PubMed 32358784; PubMed 31139960; PubMed 38425356; PubMed 32962870; PubMed 36315559; PubMed 34297739; PubMed 34327855.

Single allele

Gene: DMD (dystrophin; minus strand). Cytogenetic location: Xp21.1.
Variant type: Deletion.
Identifiers: ClinVar variation 1256416 (VCV001256416.3).